The following is an entry in ClinVar:

ClinVar aggregate classification (germline): Uncertain significance (1 of 4 stars; one submission).

gnomAD v4.1: 1 of 1,613,892 alleles (0.000062%); highest among the groups gnomAD compares: Non-Finnish European, 0.000085%; no homozygotes.

Submission:

Labcorp Genetics (formerly Invitae), Labcorp
Classification: Uncertain significance. Last evaluated: 2024-03-02. Review status: criteria provided, single submitter. Criteria: Invitae Variant Classification Sherloc (09022015). Collection method: clinical testing. Allele origin: germline.
Comment: This sequence change replaces glycine, which is neutral and non-polar, with arginine, which is basic and polar, at codon 541 of the PTH1R protein (p.Gly541Arg). This variant is not present in population databases (gnomAD no frequency). This variant has not been reported in the literature in individuals affected with PTH1R-related conditions. An algorithm developed to predict the effect of missense changes on protein structure and function (PolyPhen-2) suggests that this variant is likely to be disruptive. In summary, the available evidence is currently insufficient to determine the role of this variant in disease. Therefore, it has been classified as a Variant of Uncertain Significance.

NM_000316.3(PTH1R):c.1621G>A (p.Gly541Arg)

Gene: PTH1R (parathyroid hormone 1 receptor; plus strand). Cytogenetic location: 3p21.31.
Variant type: single nucleotide variant.
Coding change: c.1621G>A on transcript NM_000316.3 (MANE Select); coding-DNA position 1621, G replaced by A.
Protein change: p.Gly541Arg; replaces glycine 541 with arginine.
Molecular consequence: missense variant.
Genome position (GRCh38, 1-based): chr3:46,903,495, G>A. VCF-style: chr3-46903495-G-A. GRCh37 (hg19) VCF-style: chr3-46944985-G-A.
Other names: c.1621G>A, p.Gly541Arg (NM_001184744.1); short protein forms G541R.
Identifiers: ClinVar variation 3698746 (VCV003698746.2).
Genomic context (GRCh38, chr3:46,903,495, plus strand): 5'-CGCCTACTGCCCACTGCCACCACCAACGGCCACCCTCAGCTGCCTGGCCATGCCAAGCCA[G>A]GGACCCCAGCCCTGGAGACCCTCGAGACCACACCACCTGCCATGGCTGCTCCCAAGGACG-3'
Protein context (NP_000307.1, residues 531-551): HPQLPGHAKP[Gly541Arg]TPALETLETT